The following is an entry in ClinVar:

ClinVar aggregate classification (germline): Uncertain significance. Review status: criteria provided, multiple submitters, no conflicts (2 of 4 stars). 3 submissions from 3 submitters: Uncertain significance (3). Last evaluated 2024-07-29.

Conditions:
Nemaline myopathy 9 (NEM9). Identifiers: MedGen C3810384, MONDO:0014326, OMIM 615731.

Submissions (3):

GeneDx
Classification: Uncertain significance. Last evaluated: 2024-07-29. Review status: criteria provided, single submitter. Criteria: GeneDx Variant Classification Process June 2021. Collection method: clinical testing. Allele origin: germline. Affected: yes.
Comment: In-frame deletion of 1 amino acid in a non-repeat region; In silico analysis supports a deleterious effect on protein structure/function; Has not been previously published as pathogenic or benign to our knowledge

Labcorp Genetics (formerly Invitae), Labcorp
Classification: Uncertain significance for Nemaline myopathy 9. Last evaluated: 2022-08-08. Review status: criteria provided, single submitter. Criteria: Invitae Variant Classification Sherloc (09022015). Collection method: clinical testing. Allele origin: germline.
Comment: This variant, c.433_435del, results in the deletion of 1 amino acid(s) of the KLHL41 protein (p.Leu145del), but otherwise preserves the integrity of the reading frame. This variant is present in population databases (rs760524187, gnomAD 0.02%). This variant has not been reported in the literature in individuals affected with KLHL41-related conditions. ClinVar contains an entry for this variant (Variation ID: 474872). Experimental studies and prediction algorithms are not available or were not evaluated, and the functional significance of this variant is currently unknown. In summary, the available evidence is currently insufficient to determine the role of this variant in disease. Therefore, it has been classified as a Variant of Uncertain Significance.

Fulgent Genetics
Classification: Uncertain significance for Nemaline myopathy 9. Last evaluated: 2021-07-19. Review status: criteria provided, single submitter. Criteria: ACMG Guidelines, 2015. Collection method: clinical testing. Allele origin: unknown.

NM_006063.3(KLHL41):c.427CTT[2] (p.Leu145del)

Gene: KLHL41 (kelch like family member 41; plus strand). Cytogenetic location: 2q31.1.
Variant type: Microsatellite.
Coding change: c.427CTT[2] on transcript NM_006063.3 (MANE Select); two copies in a row of the 3-base unit CTT starting at c.427; the reference has three copies in a row; one copy, 3 bases deleted; also written c.433_435del.
Protein change: p.Leu145del; deletes leucine 145.
Molecular consequence: inframe deletion.
Genome position (GRCh38, 1-based): chr2:169,510,211-169,510,213, CTT deleted; deleting any 3 consecutive bases within chr2:169,510,205-169,510,213 gives the same sequence; the position shown is the placement nearest the transcript's 3' end. VCF-style (leftmost placement, unchanged base first): chr2-169510204-ACTT-A. GRCh37 (hg19) VCF-style: chr2-170366714-ACTT-A.
Other names: c.433_435del (NM_006063.2); short protein forms L145del.
Identifiers: ClinVar variation 474872 (VCV000474872.11), dbSNP rs760524187, ClinGen allele CA1956499.